The following is an entry in ClinVar:

NM_024334.3(TMEM43):c.1135A>G (p.Ile379Val)

Gene: TMEM43 (transmembrane protein 43; plus strand). Cytogenetic location: 3p25.1.
Variant type: single nucleotide variant.
Coding change: c.1135A>G on transcript NM_024334.3 (MANE Select); coding-DNA position 1135, A replaced by G.
Protein change: p.Ile379Val; replaces isoleucine 379 with valine.
Molecular consequence: missense variant.
Genome position (GRCh38, 1-based): chr3:14,141,727, A>G. VCF-style: chr3-14141727-A-G. GRCh37 (hg19) VCF-style: chr3-14183227-A-G.
Other names: short protein forms I379V.
Identifiers: ClinVar variation 919787 (VCV000919787.4), dbSNP rs759390824, ClinGen allele CA051299.

ClinVar aggregate classification (germline): Uncertain significance (1 of 4 stars; one submission).

Conditions:
Cardiomyopathy (CMYO). Also called: Cardiomyopathies. Identifiers: Orphanet 167848, MedGen C0878544, MONDO:0004994, HP:0001638. Inheritance: Various modes of inheritance.

Allele frequency attached by ClinVar (database versions not stated): gnomAD exomes below 0.00001; ExAC 0.00001.
gnomAD v4.1: 4 of 1,613,858 alleles (0.00025%); highest among the groups gnomAD compares: South Asian, 0.0011%; no homozygotes.

Submission:

Color Diagnostics, LLC DBA Color Health
Classification: Uncertain significance for Cardiomyopathy. Last evaluated: 2023-12-04. Review status: criteria provided, single submitter. Criteria: ACMG Guidelines, 2015. Collection method: clinical testing. Allele origin: germline.
Comment: This missense variant replaces isoleucine with valine at codon 379 of the TMEM43 protein. Computational prediction suggests that this variant may not impact protein structure and function (internally defined REVEL score threshold <= 0.5, PMID: 27666373). To our knowledge, functional studies have not been reported for this variant. This variant has not been reported in individuals affected with TMEM43-related disorders in the literature. This variant has been identified in 1/251408 chromosomes in the general population by the Genome Aggregation Database (gnomAD). The available evidence is insufficient to determine the role of this variant in disease conclusively. Therefore, this variant is classified as a Variant of Uncertain Significance.